The following is an entry in ClinVar:

ClinVar aggregate classification (germline): Likely benign (0 of 4 stars; one submission).

Conditions:
LRP1-related disorder. Also called: LRP1-related condition.

Allele frequency attached by ClinVar (database versions not stated): gnomAD exomes 0.00003; ExAC 0.00007; ESP Exome Variant Server 0.00008; gnomAD 0.00009; TOPMed 0.00009; 1000 Genomes Project 30x 0.00016; 1000 Genomes Project 0.00020.
gnomAD v4.1: 63 of 1,603,430 alleles (0.0039%); highest among the groups gnomAD compares: Admixed American, 0.024%; no homozygotes.

Submission:

PreventionGenetics, part of Exact Sciences
Classification: Likely benign for LRP1-related condition. Last evaluated: 2019-02-20. Review status: no assertion criteria provided. Collection method: clinical testing. Allele origin: germline.
Comment: This variant is classified as likely benign based on ACMG/AMP sequence variant interpretation guidelines (Richards et al. 2015 PMID: 25741868, with internal and published modifications).

NM_002332.3(LRP1):c.11064G>A (p.Glu3688=)

Gene: LRP1 (LDL receptor related protein 1; plus strand). Cytogenetic location: 12q13.3.
Variant type: single nucleotide variant.
Coding change: c.11064G>A on transcript NM_002332.3 (MANE Select); coding-DNA position 11064, G replaced by A.
Protein change: p.Glu3688=; no amino-acid change (glutamic acid 3688 retained).
Molecular consequence: synonymous variant.
Genome position (GRCh38, 1-based): chr12:57,204,522, G>A. VCF-style: chr12-57204522-G-A. GRCh37 (hg19) VCF-style: chr12-57598305-G-A.
Identifiers: ClinVar variation 3058822 (VCV003058822.2), dbSNP rs201022963, ClinGen allele CA6645155.
Genomic context (GRCh38, chr12:57,204,522, plus strand): 5'-GCTGGCCTGGAAGTGCGATGGCGAGGATGACTGTGGGGACAACTCAGATGAGAACCCCGA[G>A]GAGTGTGGTGAGATTTGGGGCGGGGCTCCCAGGCTTCCCAGTGGCCAGCAACCACCCCCA-3'
Protein context (NP_002323.2, residues 3678-3698): DCGDNSDENP[Glu3688=]ECARFVCPPN